The following is an entry in ClinVar:

NM_033026.6(PCLO):c.827G>A (p.Arg276Gln)

Gene: PCLO (piccolo presynaptic cytomatrix protein; minus strand). Cytogenetic location: 7q21.11.
Variant type: single nucleotide variant.
Coding change: c.827G>A on transcript NM_033026.6 (MANE Select); coding-DNA position 827, G replaced by A.
Protein change: p.Arg276Gln; replaces arginine 276 with glutamine.
Molecular consequence: missense variant.
Genome position (GRCh38, 1-based): chr7:83,155,814, C>T on the plus strand (G>A on the coding strand, the complement: PCLO is on the minus strand). VCF-style: chr7-83155814-C-T. GRCh37 (hg19) VCF-style: chr7-82785130-C-T.
Other names: c.827G>A, p.Arg276Gln (NM_014510.3); c.827G>A (NM_033026.5); short protein forms R276Q.
Identifiers: ClinVar variation 1985019 (VCV001985019.4), dbSNP rs747593233, ClinGen allele CA4321594.

ClinVar aggregate classification (germline): Uncertain significance. Review status: criteria provided, multiple submitters, no conflicts (2 of 4 stars). 2 submissions from 2 submitters: Uncertain significance (2). Last evaluated 2025-07-12.

Allele frequency attached by ClinVar (database versions not stated): ExAC 0.00001; gnomAD exomes 0.00002; gnomAD 0.00003; TOPMed 0.00004.
gnomAD v4.1: 32 of 1,613,690 alleles (0.002%); highest among the groups gnomAD compares: South Asian, 0.0055%; no homozygotes.

Submissions (2):

GeneDx
Classification: Uncertain significance. Last evaluated: 2025-07-12. Review status: criteria provided, single submitter. Criteria: GeneDx Variant Classification Process June 2021. Collection method: clinical testing. Allele origin: germline. Affected: yes.
Comment: In silico analysis suggests that this missense variant does not alter protein structure/function; Has not been previously published as pathogenic or benign to our knowledge

Labcorp Genetics (formerly Invitae), Labcorp
Classification: Uncertain significance. Last evaluated: 2024-10-31. Review status: criteria provided, single submitter. Criteria: Invitae Variant Classification Sherloc (09022015). Collection method: clinical testing. Allele origin: germline.
Comment: This sequence change replaces arginine, which is basic and polar, with glutamine, which is neutral and polar, at codon 276 of the PCLO protein (p.Arg276Gln). This variant is present in population databases (rs747593233, gnomAD 0.006%). This variant has not been reported in the literature in individuals affected with PCLO-related conditions. ClinVar contains an entry for this variant (Variation ID: 1985019). An algorithm developed to predict the effect of missense changes on protein structure and function outputs the following: PolyPhen-2: "Not Available". The glutamine amino acid residue is found in multiple mammalian species, which suggests that this missense change does not adversely affect protein function. In summary, the available evidence is currently insufficient to determine the role of this variant in disease. Therefore, it has been classified as a Variant of Uncertain Significance.